The following is an entry in ClinVar:

ClinVar aggregate classification (germline): Uncertain significance (1 of 4 stars; one submission).

Submission:

Labcorp Genetics (formerly Invitae), Labcorp
Classification: Uncertain significance. Last evaluated: 2024-05-27. Review status: criteria provided, single submitter. Criteria: Invitae Variant Classification Sherloc (09022015). Collection method: clinical testing. Allele origin: germline.
Comment: This variant, c.20_34dup, results in the insertion of 5 amino acid(s) of the TGFB1 protein (p.Arg7_Leu11dup), but otherwise preserves the integrity of the reading frame. This variant is not present in population databases (gnomAD no frequency). This variant has not been reported in the literature in individuals affected with TGFB1-related conditions. In summary, the available evidence is currently insufficient to determine the role of this variant in disease. Therefore, it has been classified as a Variant of Uncertain Significance.

NM_000660.7(TGFB1):c.20_34dup (p.Leu11_Leu12insArgLeuLeuProLeu)

Gene: TGFB1 (transforming growth factor beta 1; minus strand). Cytogenetic location: 19q13.2.
Variant type: Duplication.
Coding change: c.20_34dup on transcript NM_000660.7 (MANE Select); coding-DNA positions 20 to 34, 15 bases duplicated (GGCTGCTGCCGCTGC).
Protein change: p.Leu11_Leu12insArgLeuLeuProLeu.
Genome position (GRCh38, 1-based): chr19:41,353,011-41,353,025, GCAGCGGCAGCAGCC duplicated on the plus strand (GGCTGCTGCCGCTGC on the coding strand, the reverse complement: TGFB1 is on the minus strand); duplicating any 15 consecutive bases within chr19:41,353,011-41,353,030 gives the same sequence; the c. name uses the placement nearest the transcript's 3' end. VCF-style (leftmost placement, unchanged base first): chr19-41353010-A-AGCAGCGGCAGCAGCC. GRCh37 (hg19) VCF-style: chr19-41858915-A-AGCAGCGGCAGCAGCC.
Identifiers: ClinVar variation 3687866 (VCV003687866.2).